The following is an entry in ClinVar:

NM_005515.4(MNX1):c.378_384dup (p.Ala129fs)

Gene: MNX1 (motor neuron and pancreas homeobox 1; minus strand). Cytogenetic location: 7q36.3.
Variant type: Duplication.
Coding change: c.378_384dup on transcript NM_005515.4 (MANE Select); coding-DNA positions 378 to 384, 7 bases duplicated (CGCCGCC; older notation c.378_384dupCGCCGCC).
Protein change: p.Ala129fs; shifts the reading frame from alanine 129.
Molecular consequence: frameshift variant.
Genome position (GRCh38, 1-based): chr7:157,009,967-157,009,973, GGCGGCG duplicated on the plus strand (CGCCGCC on the coding strand, the reverse complement: MNX1 is on the minus strand); duplicating any 7 consecutive bases within chr7:157,009,967-157,009,974 gives the same sequence; the c. name uses the placement nearest the transcript's 3' end. VCF-style (leftmost placement, unchanged base first): chr7-157009966-C-CGGCGGCG. GRCh37 (hg19) VCF-style: chr7-156802660-C-CGGCGGCG.
Other names: short protein forms A129fs.
Identifiers: ClinVar variation 4736518 (VCV004736518.1).
Genomic context (GRCh38, chr7:157,009,966, plus strand): 5'-CGCCCTGCGCGCCCCCAGGGTGCAGCCCCAGCGCCAGGCCCCCAGCGGCGGCGGCGGCGG[C>CGGCGGCG]GGCGGCGGCGGCAGCGGCCGCTGCGCCCGGATGCGCGTGGTGGTGGGGCCCCCCGTGCCC-3'

ClinVar aggregate classification (germline): Pathogenic (1 of 4 stars; one submission).

Submission:

Labcorp Genetics (formerly Invitae), Labcorp
Classification: Pathogenic. Last evaluated: 2026-02-01. Review status: criteria provided, single submitter. Criteria: Invitae Variant Classification Sherloc (09022015). Collection method: clinical testing. Allele origin: germline.
Comment: This sequence change creates a premature translational stop signal (p.Ala129Argfs*99) in the MNX1 gene. It is expected to result in an absent or disrupted protein product. Loss-of-function variants in MNX1 are known to be pathogenic (PMID: 10631160, 10749657, 16254195, 24095820). The frequency data for this variant in the population databases is considered unreliable, as metrics indicate insufficient coverage at this position in the gnomAD database. This variant has not been reported in the literature in individuals affected with MNX1-related conditions. For these reasons, this variant has been classified as Pathogenic.

Literature cited by the submitters: PubMed 10631160; PubMed 10749657; PubMed 16254195; PubMed 24095820.